The following is an entry in ClinVar:

ClinVar aggregate classification (germline): Uncertain significance (1 of 4 stars; one submission).

Allele frequency attached by ClinVar (database versions not stated): TOPMed 0.00001; gnomAD exomes 0.00003; ExAC 0.00009.
gnomAD v4.1: 43 of 1,604,782 alleles (0.0027%); highest among the groups gnomAD compares: Non-Finnish European, 0.0035%; no homozygotes.

Submission:

Labcorp Genetics (formerly Invitae), Labcorp
Classification: Uncertain significance. Last evaluated: 2022-04-06. Review status: criteria provided, single submitter. Criteria: Invitae Variant Classification Sherloc (09022015). Collection method: clinical testing. Allele origin: germline.
Comment: This sequence change replaces proline, which is neutral and non-polar, with leucine, which is neutral and non-polar, at codon 995 of the TJP2 protein (p.Pro995Leu). The frequency data for this variant in the population databases is considered unreliable, as metrics indicate poor data quality at this position in the gnomAD database. This variant has not been reported in the literature in individuals affected with TJP2-related conditions. Algorithms developed to predict the effect of missense changes on protein structure and function are either unavailable or do not agree on the potential impact of this missense change (SIFT: "Tolerated"; PolyPhen-2: "Probably Damaging"; Align-GVGD: "Class C0"). In summary, the available evidence is currently insufficient to determine the role of this variant in disease. Therefore, it has been classified as a Variant of Uncertain Significance.

NM_004817.4(TJP2):c.2984C>T (p.Pro995Leu)

Gene: TJP2 (tight junction protein 2; plus strand). Cytogenetic location: 9q21.11.
Variant type: single nucleotide variant.
Coding change: c.2984C>T on transcript NM_004817.4 (MANE Select); coding-DNA position 2984, C replaced by T.
Protein change: p.Pro995Leu; replaces proline 995 with leucine.
Molecular consequence: missense variant. On other transcripts: intron variant (6).
Genome position (GRCh38, 1-based): chr9:69,249,478, C>T. VCF-style: chr9-69249478-C-T. GRCh37 (hg19) VCF-style: chr9-71864394-C-T.
Other names: c.3077C>T, p.Pro1026Leu (NM_001170416.2); c.2909C>T, p.Pro970Leu (NM_001369870.1); c.2915C>T, p.Pro972Leu (NM_001369871.1); c.2996C>T, p.Pro999Leu (NM_001369875.1); c.2811+1254C>T (NM_001170414.2); c.2880+1254C>T (NM_201629.3, NM_001369872.1); c.2668-1557C>T (NM_001369873.1); c.2892+1254C>T (NM_001170415.1, NM_001369874.1); short protein forms P1026L, P970L, P972L, P995L, P999L.
Identifiers: ClinVar variation 2427832 (VCV002427832.2), dbSNP rs778727177, ClinGen allele CA5073840.